The following is an entry in ClinVar:

ClinVar aggregate classification (germline): Pathogenic. Review status: criteria provided, multiple submitters, no conflicts (2 of 4 stars). 4 submissions from 4 submitters: Pathogenic (4). Last evaluated 2026-02-23.

Conditions:
Familial focal epilepsy with variable foci (FPEVF). Identifiers: Orphanet 98820, MedGen C1858477, MONDO:0020310.
Epilepsy. Also called: Seizure disorder. Identifiers: MedGen C0014544, MeSH D004827, MONDO:0005027.
Epilepsy, familial focal, with variable foci 1 (FFEVF1). Also called: DEPDC5-Related Epilepsy. Identifiers: MedGen C4551983, MONDO:0024556, OMIM 604364.

Submissions (4):

Cytogénomique, Hospices Civils de Lyon
Classification: Pathogenic for Epilepsy. Last evaluated: 2026-02-23. Review status: criteria provided, single submitter. Criteria: ACMG Guidelines, 2015. Collection method: clinical testing. Allele origin: germline. Affected: yes.

Victorian Clinical Genetics Services, Murdoch Childrens Research Institute
Classification: Pathogenic for Epilepsy, familial focal, with variable foci 1. Last evaluated: 2023-12-21. Review status: criteria provided, single submitter. Criteria: ACMG Guidelines, 2015. Collection method: clinical testing. Allele origin: germline. Inheritance: Autosomal dominant inheritance. Affected: yes.
Comment: Based on the classification scheme VCGS_Germline_v1.3.4, this variant is classified as Pathogenic. Following criteria are met: 0102 - Loss of function is a known mechanism of disease in this gene and is associated with familial focal epilepsy with variable foci 1 (MIM#604364). (I) 0107 - This gene is associated with autosomal dominant disease. (I) 0112 - The condition associated with this gene has incomplete penetrance. Unaffected individuals with pathogenic familial variants are commonly reported, with penetrance estimated to be between 66% and 70% (PMIDs: 30767899, 32848577). (I) 0115 - Variants in this gene are known to have variable expressivity. Disease presentation in affected individuals is known to vary considerably even within the same family, from mild febrile seizures to severe focal epilepsy with cortical malformations (PMIDs: 27066554, 32848577). (I) 0211 - Canonical splice site variant without proven consequence on splicing (no functional evidence available). (SP) 0251 - This variant is heterozygous. (I) 0301 - Variant is absent from gnomAD (both v2 and v3). (SP) 0505 - Abnormal splicing is predicted by in silico tools and affected nucleotide is highly conserved. (SP) 0710 - Another splice variant comparable to the one identified in this case has inconclusive previous evidence for pathogenicity. This variant has been reported in an individual compound heterozygous with a missense variant, c.2507A>G, who has focal epilepsy (PMID: 34489640). (I) 0802 - This variant has moderate previous evidence of pathogenicity in unrelated individuals. This variant has been reported in three individuals as likely pathogenic / pathogenic, one of which was maternally inherited from an affected mother diagnosed with epilepsy (ClinVar, PMID: 30525188). (SP) 1007 - No published functional evidence has been identified for this variant. (I) 1101 - Very strong and specific phenotype match for this individual. (SP) 1208 - Inheritance information for this variant is not currently available in this individual. (I) Legend: (SP) - Supporting pathogenic, (I) - Information, (SB) - Supporting benign

Labcorp Genetics (formerly Invitae), Labcorp
Classification: Pathogenic for Familial focal epilepsy with variable foci. Last evaluated: 2019-07-18. Review status: criteria provided, single submitter. Criteria: Invitae Variant Classification Sherloc (09022015). Collection method: clinical testing. Allele origin: germline.
Comment: This sequence change affects a donor splice site in intron 9 of the DEPDC5 gene. It is expected to disrupt RNA splicing and likely results in an absent or disrupted protein product. This variant is not present in population databases (ExAC no frequency). This variant has been observed in a family affected with epilepsy and/or intellectual disability (PMID: 30525188) and has been reported to segregate with nocturnal epilepsy in a family (Invitae). ClinVar contains an entry for this variant (Variation ID: 391802). Algorithms developed to predict the effect of sequence changes on RNA splicing suggest that this variant may disrupt the consensus splice site, but this prediction has not been confirmed by published transcriptional studies. Donor and acceptor splice site variants typically lead to a loss of protein function (PMID: 16199547), and loss-of-function variants in DEPDC5 are known to be pathogenic (PMID: 23542697, 23542701). For these reasons, this variant has been classified as Pathogenic.

GeneDx
Classification: Pathogenic. Last evaluated: 2019-06-20. Review status: criteria provided, single submitter. Criteria: GeneDx Variant Classification Process June 2021. Collection method: clinical testing. Allele origin: germline. Affected: yes.
Comment: Inherited from mother who was also diagnosed with epilepsy. Although c.562+1G>A was considered pathogenic by the authors, affected individual also carried variants in two additional genes associated with seizures (Snoeijen-Schouwenaars et al., 2019).; Canonical splice site variant in a gene for which loss-of-function is a known mechanism of disease; Not observed in large population cohorts (Lek et al., 2016); This variant is associated with the following publications: (PMID: 30525188)

Literature cited by the submitters: PubMed 27066554 (cited by Victorian Clinical Genetics Services, Murdoch Childrens Research Institute); PubMed 30525188 (cited by Victorian Clinical Genetics Services, Murdoch Childrens Research Institute and Labcorp Genetics (formerly Invitae), Labcorp); PubMed 30767899 (cited by Victorian Clinical Genetics Services, Murdoch Childrens Research Institute); PubMed 32848577 (cited by Victorian Clinical Genetics Services, Murdoch Childrens Research Institute); PubMed 34489640 (cited by Victorian Clinical Genetics Services, Murdoch Childrens Research Institute); PubMed 16199547 (cited by Labcorp Genetics (formerly Invitae), Labcorp); PubMed 23542697 (cited by Labcorp Genetics (formerly Invitae), Labcorp); PubMed 23542701 (cited by Labcorp Genetics (formerly Invitae), Labcorp).

NM_001242896.3(DEPDC5):c.562+1G>A

Gene: DEPDC5 (DEP domain containing 5, GATOR1 subcomplex subunit; plus strand). Cytogenetic location: 22q12.2.
Variant type: single nucleotide variant.
Coding change: c.562+1G>A on transcript NM_001242896.3 (MANE Select); the canonical splice donor site of the intron after coding-DNA position 562, G replaced by A.
Molecular consequence: splice donor variant.
Genome position (GRCh38, 1-based): chr22:31,783,986, G>A. VCF-style: chr22-31783986-G-A. GRCh37 (hg19) VCF-style: chr22-32179972-G-A.
Other names: c.562+1G>A (NM_001364318.2, NM_001136029.4, NM_014662.6 and 8 more transcripts); c.478+1G>A (NM_001369902.1, NM_001369901.1).
Identifiers: ClinVar variation 391802 (VCV000391802.15), dbSNP rs1057524233, ClinGen allele CA16608653.